The following is an entry in ClinVar:

ClinVar aggregate classification (germline): Uncertain significance (1 of 4 stars; one submission).

Conditions:
Hereditary cancer-predisposing syndrome. Also called: Neoplastic Syndromes, Hereditary; Tumor predisposition; Hereditary Cancer Syndrome; Hereditary neoplastic syndrome. Identifiers: Orphanet 140162, MedGen C0027672, MeSH D009386, MONDO:0015356.

Submission:

Ambry Genetics
Classification: Uncertain significance for Hereditary cancer-predisposing syndrome. Last evaluated: 2026-01-20. Review status: criteria provided, single submitter. Criteria: Ambry Variant Classification Scheme 2023. Collection method: clinical testing. Allele origin: germline.
Comment: The c.9_25dup17 variant (also known as p.A9Efs*20), located in coding exon 1 of the FH gene, results from a duplication of AGCACTTCGGCTCCTCG at nucleotide position 9, causing a translational frameshift with a predicted alternate stop codon. This alteration is expected to result in loss of function by premature protein truncation. However, there is a second in-frame methionine at p.M44. Proteins initiated from the first methionine are targeted to the mitochondrion while proteins initiated from the second methionine are targeted to the cytoplasm due to the lack of the mitochondrial targeting sequence encoded between them (Dik E et al. Traffic, 2016 Jul;17:720-32, Magrane M et al., Database (Oxford) 2011; bar009). Data suggest that it is the cytoplasmic protein that conveys the tumor suppressor function of FH (Yogev O et al. PLoS Biol., 2010 Mar;8:e1000328). This alteration and others that are expected to adversely affect the protein before the second methionine, have been observed in numerous individuals who do not have a personal or family history that is consistent with or suggestive of HLRCC (Ambry internal data). The clinical impact of this variant in terms of the fumarase deficiency is also unclear due to the lack of this variant being associated with this autosomal recessive disease in the literature and internally. Based on the available evidence, the clinical significance of this variant remains unclear.

NM_000143.4(FH):c.9_25dup (p.Ala9fs)

Gene: FH (fumarate hydratase; minus strand). Cytogenetic location: 1q43.
Variant type: Duplication.
Coding change: c.9_25dup on transcript NM_000143.4 (MANE Select); coding-DNA positions 9 to 25, 17 bases duplicated (AGCACTTCGGCTCCTCG).
Protein change: p.Ala9fs; shifts the reading frame from alanine 9.
Molecular consequence: frameshift variant.
Genome position (GRCh38, 1-based): chr1:241,519,698-241,519,714, CGAGGAGCCGAAGTGCT duplicated on the plus strand (AGCACTTCGGCTCCTCG on the coding strand, the reverse complement: FH is on the minus strand); duplicating any 17 consecutive bases within chr1:241,519,698-241,519,716 gives the same sequence; the c. name uses the placement nearest the transcript's 3' end. VCF-style (leftmost placement, unchanged base first): chr1-241519697-G-GCGAGGAGCCGAAGTGCT. GRCh37 (hg19) VCF-style: chr1-241682997-G-GCGAGGAGCCGAAGTGCT.
Other names: c.9_25dupAGCACTTCGGCTCCTCG (NM_000143.3); short protein forms A9fs.
Identifiers: ClinVar variation 4843548 (VCV004843548.1).